The following is an entry in ClinVar:

ClinVar aggregate classification (germline): Pathogenic (1 of 4 stars; one submission).

Conditions:
Duchenne muscular dystrophy (DMD). Also called: MUSCULAR DYSTROPHY, PSEUDOHYPERTROPHIC PROGRESSIVE, DUCHENNE TYPE; Duchenne Muscular Dystrophy (DMD). Identifiers: Orphanet 98896, MedGen C0013264, MONDO:0010679, OMIM 310200.

Submission:

Labcorp Genetics (formerly Invitae), Labcorp
Classification: Pathogenic for Duchenne muscular dystrophy. Last evaluated: 2022-07-01. Review status: criteria provided, single submitter. Criteria: Invitae Variant Classification Sherloc (09022015). Collection method: clinical testing. Allele origin: unknown.
Comment: For these reasons, this variant has been classified as Pathogenic. This variant disrupts a region of the DMD protein in which other variant(s) (deletion of exon 13) have been determined to be pathogenic (PMID: 18353051, 22379338, 28116794, 28610567). This suggests that this is a clinically significant region of the protein, and that variants that disrupt it are likely to be disease-causing. This variant has not been reported in the literature in individuals affected with DMD-related conditions. This variant is a gross deletion of the genomic region encompassing exon(s) 13-16 of the DMD gene. This variant would be expected to be in-frame, preserving the integrity of the reading frame.

Literature cited by the submitters: PubMed 18353051; PubMed 22379338; PubMed 28116794; PubMed 28610567.

NC_000023.10:g.(?_32583799)_(32614013_?)del

Gene: DMD (dystrophin; minus strand). Cytogenetic location: Xp21.1.
Variant type: Deletion.
Identifiers: ClinVar variation 3244365 (VCV003244365.1).